The following is an entry in ClinVar:

NM_006269.2(RP1):c.2757G>C (p.Trp919Cys)

Gene: RP1 (RP1 axonemal microtubule associated; plus strand). Cytogenetic location: 8q12.1.
Variant type: single nucleotide variant.
Coding change: c.2757G>C on transcript NM_006269.2 (MANE Select); coding-DNA position 2757, G replaced by C.
Protein change: p.Trp919Cys; replaces tryptophan 919 with cysteine.
Molecular consequence: missense variant. On other transcripts: intron variant (1).
Genome position (GRCh38, 1-based): chr8:54,626,639, G>C. VCF-style: chr8-54626639-G-C. GRCh37 (hg19) VCF-style: chr8-55539199-G-C.
Other names: c.2757G>C (NM_006269.1); c.787+4351G>C (NM_001375654.1); short protein forms W919C.
Identifiers: ClinVar variation 1037298 (VCV001037298.8), dbSNP rs746396730, ClinGen allele CA4751581.

ClinVar aggregate classification (germline): Uncertain significance. Review status: criteria provided, multiple submitters, no conflicts (2 of 4 stars). 3 submissions from 3 submitters: Uncertain significance (3). Last evaluated 2025-09-18.

Conditions:
Inborn genetic diseases. Identifiers: MedGen C0950123, MeSH D030342.

Allele frequency attached by ClinVar (database versions not stated): gnomAD exomes 0.00001 and 0.00002; ExAC 0.00002; gnomAD 0.00005 and 0.00006; TOPMed 0.00005.
gnomAD v4.1: 24 of 1,613,654 alleles (0.0015%); highest among the groups gnomAD compares: African/African-American, 0.031%; no homozygotes.

Submissions (3):

Labcorp Genetics (formerly Invitae), Labcorp
Classification: Uncertain significance. Last evaluated: 2025-09-18. Review status: criteria provided, single submitter. Criteria: Invitae Variant Classification Sherloc (09022015). Collection method: clinical testing. Allele origin: germline.
Comment: This sequence change replaces tryptophan, which is neutral and slightly polar, with cysteine, which is neutral and slightly polar, at codon 919 of the RP1 protein (p.Trp919Cys). This variant is present in population databases (rs746396730, gnomAD 0.04%). This variant has not been reported in the literature in individuals affected with RP1-related conditions. ClinVar contains an entry for this variant (Variation ID: 1037298). An algorithm developed to predict the effect of missense changes on protein structure and function (PolyPhen-2) suggests that this variant is likely to be disruptive. In summary, the available evidence is currently insufficient to determine the role of this variant in disease. Therefore, it has been classified as a Variant of Uncertain Significance.

Blueprint Genetics
Classification: Uncertain significance. Last evaluated: 2024-05-14. Review status: criteria provided, single submitter. Criteria: ACMG Guidelines, 2015. Collection method: clinical testing. Allele origin: germline.

Ambry Genetics
Classification: Uncertain significance for Inborn genetic diseases. Last evaluated: 2022-08-01. Review status: criteria provided, single submitter. Criteria: Ambry Variant Classification Scheme 2023. Collection method: clinical testing. Allele origin: germline.